The following is an entry in ClinVar:

ClinVar aggregate classification (germline): Pathogenic. Review status: criteria provided, multiple submitters, no conflicts (2 of 4 stars). 2 submissions from 2 submitters: Pathogenic (2). Last evaluated 2024-05-28.

Conditions:
Hereditary spastic paraplegia 4. Also called: Spastic paraplegia 4, autosomal dominant; Spastic Paraplegia 4; Familial spastic paraplegia autosomal dominant 2. Identifiers: Orphanet 100985, MedGen C1866855, MONDO:0008438, OMIM 182601.

Submissions (2):

Labcorp Genetics (formerly Invitae), Labcorp
Classification: Pathogenic for Hereditary spastic paraplegia 4. Last evaluated: 2024-05-28. Review status: criteria provided, single submitter. Criteria: Invitae Variant Classification Sherloc (09022015). Collection method: clinical testing. Allele origin: germline.
Comment: This sequence change creates a premature translational stop signal (p.Gly159Argfs*11) in the SPAST gene. It is expected to result in an absent or disrupted protein product. Loss-of-function variants in SPAST are known to be pathogenic (PMID: 20932283). This variant is not present in population databases (gnomAD no frequency). This premature translational stop signal has been observed in individual(s) with hereditary spastic paraplegia (PMID: 30476002). ClinVar contains an entry for this variant (Variation ID: 986931). For these reasons, this variant has been classified as Pathogenic.

Institute of Medical Genetics and Applied Genomics, University Hospital Tübingen
Classification: Pathogenic. Last evaluated: 2020-10-23. Review status: criteria provided, single submitter. Criteria: ACMG Guidelines, 2015. Collection method: clinical testing. Allele origin: germline. Inheritance: Autosomal dominant inheritance. Affected: yes.

Literature cited by the submitters: PubMed 20932283 (cited by Labcorp Genetics (formerly Invitae), Labcorp); PubMed 30476002 (cited by Labcorp Genetics (formerly Invitae), Labcorp).

NM_014946.4(SPAST):c.474dup (p.Gly159fs)

Gene: SPAST (spastin; plus strand). Cytogenetic location: 2p22.3.
Variant type: Duplication.
Coding change: c.474dup on transcript NM_014946.4 (MANE Select); coding-DNA position 474, one base duplicated (A; older notation c.474dupA).
Protein change: p.Gly159fs; shifts the reading frame from glycine 159.
Molecular consequence: frameshift variant.
Genome position (GRCh38, 1-based): chr2:32,087,550, A duplicated; the last of 5 consecutive A bases (chr2:32,087,546-32,087,550); duplicating any one gives the same sequence. VCF-style (leftmost placement, unchanged base first): chr2-32087545-G-GA. GRCh37 (hg19) VCF-style: chr2-32312614-G-GA.
Other names: c.471dup, p.Gly158fs (NM_001363823.2, NM_001363875.2); c.474dup, p.Gly159fs (NM_001377959.1, NM_199436.2); short protein forms G158fs, G159fs.
Identifiers: ClinVar variation 986931 (VCV000986931.4), dbSNP rs1677533628, ClinGen allele CA1139656850.